The following is an entry in ClinVar:

NM_000214.3(JAG1):c.855G>C (p.Glu285Asp)

Gene: JAG1 (jagged canonical Notch ligand 1; minus strand). Cytogenetic location: 20p12.2.
Variant type: single nucleotide variant.
Coding change: c.855G>C on transcript NM_000214.3 (MANE Select); coding-DNA position 855, G replaced by C.
Protein change: p.Glu285Asp; replaces glutamic acid 285 with aspartic acid.
Molecular consequence: missense variant.
Genome position (GRCh38, 1-based): chr20:10,652,499, C>G on the plus strand (G>C on the coding strand, the complement: JAG1 is on the minus strand). VCF-style: chr20-10652499-C-G. GRCh37 (hg19) VCF-style: chr20-10633147-C-G.
Other names: short protein forms E285D.
Identifiers: ClinVar variation 3573142 (VCV003573142.2).

Conditions:
Arteriohepatic dysplasia. Also called: Alagille Syndrome. Identifiers: Orphanet 52, MedGen C0085280, MeSH D016738, MONDO:0007318.

Submission:

Gilbert/Spinner Lab, Children's Hospital of Philadelphia
No classification provided (evidence only). Condition: Alagille syndrome. Review status: no classification provided. Collection method: research. Allele origin: not applicable. Functional consequence: functionally_abnormal.
ClinVar note: "not provided" was previously submitted as the classification for the variant. However, the classification appeared to be based only on an observation of functional data so it was converted to no classification on 2025-07-30.